The following is an entry in ClinVar:

ClinVar aggregate classification (germline): Likely pathogenic. Review status: criteria provided, single submitter (1 of 4 stars). 2 submissions from 2 submitters: Likely pathogenic (1). 1 of the submissions does not count toward it. Last evaluated 2019-02-01.

Conditions:
Hereditary factor IX deficiency disease (HEMB). Also called: Hemophilia B; F9 DEFICIENCY; FACTOR IX DEFICIENCY; PLASMA THROMBOPLASTIN COMPONENT DEFICIENCY; Christmas Disease. Identifiers: Orphanet 98879, MedGen C0008533, MeSH D002836, MONDO:0010604, OMIM 306900.
Hereditary factor VIII deficiency disease (HEMA). Also called: Hemophilia A, congenital; HEM A; Factor 8 deficiency, congenital; HEMOPHILIA, CLASSIC; Hemophilia A; AUTOSOMAL HEMOPHILIA A. Identifiers: Orphanet 98878, MedGen C0019069, MONDO:0010602, OMIM 306700.

Submissions (2):

NIHR Bioresource Rare Diseases, University of Cambridge
Classification: Likely pathogenic for Hereditary factor IX deficiency disease. Last evaluated: 2019-02-01. Review status: criteria provided, single submitter. Criteria: ACMG Guidelines, 2015. Collection method: research. Allele origin: unknown. Affected: yes. Observed: 1 hemizygote. Study: ThromboGenomics.

ISTH-SSC Genomics in Thrombosis and Hemostasis, KU Leuven, Center for Molecular and Vascular Biology
Classification: Likely pathogenic for Hereditary factor VIII deficiency disease. Review status: no assertion criteria provided. Collection method: research. Allele origin: unknown. Affected: yes. Not counted in ClinVar's aggregate classification.
Comment: Submitted to GoldVariant by Dr Karyn Mégy from NIHR Bioresource - Cambridge University, UK

Literature cited by the submitters: PubMed 31064749 (cited by NIHR Bioresource Rare Diseases, University of Cambridge).

NM_000132.4(F8):c.1894del (p.Ile632fs)

Gene: F8 (coagulation factor VIII; minus strand). Cytogenetic location: Xq28.
Variant type: Deletion.
Coding change: c.1894del on transcript NM_000132.4 (MANE Select); coding-DNA position 1894, one base deleted (A; older notation c.1894delA).
Protein change: p.Ile632fs; shifts the reading frame from isoleucine 632.
Molecular consequence: frameshift variant.
Genome position (GRCh38, 1-based): chrX:154,953,901, T deleted on the plus strand (A on the coding strand, the reverse complement: F8 is on the minus strand). VCF-style (leftmost placement, unchanged base first): chrX-154953900-AT-A. GRCh37 (hg19) VCF-style: chrX-154182175-AT-A.
Other names: c.1894delA (NM_000132.3); short protein forms I632fs.
Identifiers: ClinVar variation 627269 (VCV000627269.2), dbSNP rs1603434698, ClinGen allele CA915952188.